The following is an entry in ClinVar:

NM_000112.4(SLC26A2):c.718C>G (p.Gln240Glu)

Gene: SLC26A2 (solute carrier family 26 member 2; plus strand). Cytogenetic location: 5q32.
Variant type: single nucleotide variant.
Coding change: c.718C>G on transcript NM_000112.4 (MANE Select); coding-DNA position 718, C replaced by G.
Protein change: p.Gln240Glu; replaces glutamine 240 with glutamic acid.
Molecular consequence: missense variant.
Genome position (GRCh38, 1-based): chr5:149,980,311, C>G. VCF-style: chr5-149980311-C-G. GRCh37 (hg19) VCF-style: chr5-149359874-C-G.
Other names: short protein forms Q240E.
Identifiers: ClinVar variation 1038232 (VCV001038232.9), dbSNP rs1755069507, ClinGen allele CA361706114.

ClinVar aggregate classification (germline): Uncertain significance (1 of 4 stars; one submission).

Conditions:
Achondrogenesis, type IB (ACG1B). Also called: Achondrogenesis Type 1B. Identifiers: Orphanet 932, Orphanet 93298, MedGen C0265274, MONDO:0010966, OMIM 600972.
Multiple epiphyseal dysplasia type 4 (EDM4). Also called: MULTIPLE EPIPHYSEAL DYSPLASIA WITH BILAYERED PATELLAE; MULTIPLE EPIPHYSEAL DYSPLASIA WITH CLUBFOOT; MULTIPLE EPIPHYSEAL DYSPLASIA, AUTOSOMAL RECESSIVE; Multiple Epiphyseal Dysplasia, Recessive; SLC26A2-Related Multiple Epiphyseal Dysplasia. Identifiers: Orphanet 93307, MedGen C1847593, MONDO:0009189, OMIM 226900.
Atelosteogenesis type II (AO2). Also called: NEONATAL OSSEOUS DYSPLASIA I; SLC26A2-Related Atelosteogenesis; Neonatal osseous dysplasia 1. Identifiers: Orphanet 56304, MedGen C1850554, MONDO:0009727, OMIM 256050.
Diastrophic dysplasia (DTD). Also called: Diastrophic dwarfism. Identifiers: Orphanet 628, MedGen C0220726, MONDO:0009107, OMIM 222600.

Allele frequency attached by ClinVar (database versions not stated): gnomAD exomes below 0.00001.
gnomAD v4.1: 1 of 1,614,062 alleles (0.000062%); highest among the groups gnomAD compares: Non-Finnish European, 0.000085%; no homozygotes.

Submission:

Labcorp Genetics (formerly Invitae), Labcorp
Classification: Uncertain significance for Atelosteogenesis type II; Multiple epiphyseal dysplasia type 4; Achondrogenesis, type IB; Diastrophic dysplasia. Last evaluated: 2020-08-23. Review status: criteria provided, single submitter. Criteria: Invitae Variant Classification Sherloc (09022015). Collection method: clinical testing. Allele origin: germline.
Comment: This variant is not present in population databases (ExAC no frequency). This variant has not been reported in the literature in individuals with SLC26A2-related conditions. Advanced modeling of protein sequence and biophysical properties (such as structural, functional, and spatial information, amino acid conservation, physicochemical variation, residue mobility, and thermodynamic stability) performed at Invitae indicates that this missense variant is expected to disrupt SLC26A2 protein function. In summary, the available evidence is currently insufficient to determine the role of this variant in disease. Therefore, it has been classified as a Variant of Uncertain Significance. This sequence change replaces glutamine with glutamic acid at codon 240 of the SLC26A2 protein (p.Gln240Glu). The glutamine residue is highly conserved and there is a small physicochemical difference between glutamine and glutamic acid.